The following is an entry in ClinVar:

ClinVar aggregate classification (germline): Uncertain significance (1 of 4 stars; one submission).

Conditions:
Aortic aneurysm, familial thoracic 7 (AAT7). Also called: AORTIC DISSECTION, FAMILIAL, WITH OR WITHOUT AORTIC ANEURYSM. Identifiers: MedGen C3151077, MONDO:0013418, OMIM 613780.

gnomAD v4.1: 10 of 1,614,188 alleles (0.00062%); highest among the groups gnomAD compares: Non-Finnish European, 0.00076%; no homozygotes.

Submission:

Labcorp Genetics (formerly Invitae), Labcorp
Classification: Uncertain significance for Aortic aneurysm, familial thoracic 7. Last evaluated: 2025-03-01. Review status: criteria provided, single submitter. Criteria: Invitae Variant Classification Sherloc (09022015). Collection method: clinical testing. Allele origin: germline.
Comment: This sequence change replaces asparagine, which is neutral and polar, with aspartic acid, which is acidic and polar, at codon 1698 of the MYLK protein (p.Asn1698Asp). This variant is not present in population databases (gnomAD no frequency). This variant has not been reported in the literature in individuals affected with MYLK-related conditions. Invitae Evidence Modeling of protein sequence and biophysical properties (such as structural, functional, and spatial information, amino acid conservation, physicochemical variation, residue mobility, and thermodynamic stability) indicates that this missense variant is not expected to disrupt MYLK protein function with a negative predictive value of 95%. In summary, the available evidence is currently insufficient to determine the role of this variant in disease. Therefore, it has been classified as a Variant of Uncertain Significance.

NM_053025.4(MYLK):c.5092A>G (p.Asn1698Asp)

Genes: MYLK (myosin light chain kinase; minus strand), MYLK-AS1 (MYLK antisense RNA 1; plus strand), LOC126806791 (MED14-independent group 3 enhancer GRCh37_chr3:123347871-123349070; plus strand). Cytogenetic location: 3q21.1.
Variant type: single nucleotide variant.
Coding change: c.5092A>G on transcript NM_053025.4 (MANE Select); coding-DNA position 5092, A replaced by G.
Protein change: p.Asn1698Asp; replaces asparagine 1698 with aspartic acid.
Molecular consequence: missense variant. On other transcripts: non-coding transcript variant (2), intron variant (2).
Genome position (GRCh38, 1-based): chr3:123,629,496, T>C on the plus strand (A>G on the coding strand, the complement: MYLK is on the minus strand). VCF-style: chr3-123629496-T-C. GRCh37 (hg19) VCF-style: chr3-123348343-T-C.
Other names: c.4564A>G, p.Asn1522Asp (NM_001321309.2); c.4885A>G, p.Asn1629Asp (NM_053026.4); c.4755-2555A>G (NM_053028.4); c.4962-2555A>G (NM_053027.4); short protein forms N1522D, N1629D, N1698D.
Identifiers: ClinVar variation 4805223 (VCV004805223.1).